The following is an entry in ClinVar:

ClinVar aggregate classification (germline): Pathogenic (1 of 4 stars; one submission).

Conditions:
Severe early-childhood-onset retinal dystrophy (STGD1). Also called: Stargardt macular dystrophy; Juvenile onset macular degeneration; Stargardt disease 1; MACULAR DYSTROPHY WITH FLECKS, TYPE 1; STGD. Identifiers: Orphanet 364055, Orphanet 827, MedGen C1855465, MeSH D000080362, MONDO:0009549, OMIM 248200.

Allele frequency attached by ClinVar (database versions not stated): gnomAD exomes below 0.00001.
gnomAD v4.1: 1 of 1,614,190 alleles (0.000062%); highest among the groups gnomAD compares: Non-Finnish European, 0.000085%; no homozygotes.

Submission:

MVZ Medizinische Genetik Mainz
Classification: Pathogenic for Severe early-childhood-onset retinal dystrophy. Last evaluated: 2022-10-05. Review status: criteria provided, single submitter. Criteria: UK Practice Guidelines For Variant Classification V4 01 2020. Collection method: clinical testing. Allele origin: germline. Inheritance: Autosomal recessive inheritance. Affected: yes. Observed: 1 variant allele.
Comment: ACMG Criteria: PM5, PM2_SUP, PM3_SUP, PP3, PP4

NM_000350.3(ABCA4):c.1230A>G (p.Ile410Met)

Gene: ABCA4 (ATP binding cassette subfamily A member 4; minus strand). Cytogenetic location: 1p22.1.
Variant type: single nucleotide variant.
Coding change: c.1230A>G on transcript NM_000350.3 (MANE Select); coding-DNA position 1230, A replaced by G.
Protein change: p.Ile410Met; replaces isoleucine 410 with methionine.
Molecular consequence: missense variant.
Genome position (GRCh38, 1-based): chr1:94,079,331, T>C on the plus strand (A>G on the coding strand, the complement: ABCA4 is on the minus strand). VCF-style: chr1-94079331-T-C. GRCh37 (hg19) VCF-style: chr1-94544887-T-C.
Other names: c.1230A>G, p.Ile410Met (NM_001425324.1); short protein forms I410M.
Identifiers: ClinVar variation 3235181 (VCV003235181.1), dbSNP rs2523897592.